The following is an entry in ClinVar:

NM_000053.4(ATP7B):c.1031A>G (p.His344Arg)

Gene: ATP7B (ATPase copper transporting beta; minus strand). Cytogenetic location: 13q14.3.
Variant type: single nucleotide variant.
Coding change: c.1031A>G on transcript NM_000053.4 (MANE Select); coding-DNA position 1031, A replaced by G.
Protein change: p.His344Arg; replaces histidine 344 with arginine.
Molecular consequence: missense variant. On other transcripts: intron variant (1).
Genome position (GRCh38, 1-based): chr13:51,974,189, T>C on the plus strand (A>G on the coding strand, the complement: ATP7B is on the minus strand). VCF-style: chr13-51974189-T-C. GRCh37 (hg19) VCF-style: chr13-52548325-T-C.
Other names: c.1031A>G, p.His344Arg (NM_001005918.3, NM_001330578.2, NM_001330579.2 and 29 more transcripts); c.935A>G, p.His312Arg (NM_001406517.1, NM_001406518.1, NM_001406530.1 and 3 more transcripts); c.803-105A>G (NM_001243182.2); short protein forms H312R, H344R.
Identifiers: ClinVar variation 1771226 (VCV001771226.2), dbSNP rs2547815799, ClinGen allele CA388039418.
Genomic context (GRCh38, chr13:51,974,189, plus strand): 5'-GCAATCAGAGTGGTACTGCATGTGCCCTGGACCTGGTTTCTCGGTGGGGAGCCAGGGGAA[T>C]GAGAACTGGAAGACCTGTGATCTGTCCCACTCCCTTCGGCTCCATCAGGAAGAGAAACTT-3'
Protein context (NP_000044.2, residues 334-354): SGTDHRSSSS[His344Arg]SPGSPPRNQV

ClinVar aggregate classification (germline): Uncertain significance (1 of 4 stars; one submission).

Conditions:
Inborn genetic diseases. Identifiers: MedGen C0950123, MeSH D030342.

Allele frequency attached by ClinVar (database versions not stated): gnomAD exomes below 0.00001.

Submission:

Ambry Genetics
Classification: Uncertain significance for Inborn genetic diseases. Last evaluated: 2022-02-17. Review status: criteria provided, single submitter. Criteria: Ambry Variant Classification Scheme 2023. Collection method: clinical testing. Allele origin: germline.
Comment: The p.H344R variant (also known as c.1031A>G), located in coding exon 2 of the ATP7B gene, results from an A to G substitution at nucleotide position 1031. The histidine at codon 344 is replaced by arginine, an amino acid with highly similar properties. This amino acid position is conserved. In addition, this alteration is predicted to be tolerated by in silico analysis. Since supporting evidence is limited at this time, the clinical significance of this alteration remains unclear.